The following is an entry in ClinVar:

ClinVar aggregate classification (germline): Uncertain significance (1 of 4 stars; one submission).

Conditions:
Hereditary cancer-predisposing syndrome. Also called: Hereditary Cancer Syndrome; Tumor predisposition; Hereditary neoplastic syndrome; Neoplastic Syndromes, Hereditary. Identifiers: Orphanet 140162, MedGen C0027672, MeSH D009386, MONDO:0015356.

Submission:

Ambry Genetics
Classification: Uncertain significance for Hereditary cancer-predisposing syndrome. Last evaluated: 2024-03-27. Review status: criteria provided, single submitter. Criteria: Ambry Variant Classification Scheme 2023. Collection method: clinical testing. Allele origin: germline.
Comment: The p.T2097S variant (also known as c.6289A>T), located in coding exon 10 of the BRCA2 gene, results from an A to T substitution at nucleotide position 6289. The threonine at codon 2097 is replaced by serine, an amino acid with similar properties. This amino acid position is conserved. In addition, this alteration is predicted to be tolerated by in silico analysis. Based on the available evidence, the clinical significance of this alteration remains unclear.

NM_000059.4(BRCA2):c.6289A>T (p.Thr2097Ser)

Gene: BRCA2 (BRCA2 DNA repair associated; plus strand). Cytogenetic location: 13q13.1.
Variant type: single nucleotide variant.
Coding change: c.6289A>T on transcript NM_000059.4 (MANE Select); coding-DNA position 6289, A replaced by T.
Protein change: p.Thr2097Ser; replaces threonine 2097 with serine.
Molecular consequence: missense variant. On other transcripts: non-coding transcript variant (1), intron variant (2).
Genome position (GRCh38, 1-based): chr13:32,340,644, A>T. VCF-style: chr13-32340644-A-T. GRCh37 (hg19) VCF-style: chr13-32914781-A-T.
Other names: c.6289A>T, p.Thr2097Ser (NM_001406719.1, NM_001406720.1); c.1910-3914A>T (NM_001406721.1); c.425-3914A>T (NM_001406722.1); short protein forms T2097S.
Identifiers: ClinVar variation 3261575 (VCV003261575.1).